The following is an entry in ClinVar:

NM_001853.4(COL9A3):c.22G>A (p.Ala8Thr)

Gene: COL9A3 (collagen type IX alpha 3 chain; plus strand). Cytogenetic location: 20q13.33.
Variant type: single nucleotide variant.
Coding change: c.22G>A on transcript NM_001853.4 (MANE Select); coding-DNA position 22, G replaced by A.
Protein change: p.Ala8Thr; replaces alanine 8 with threonine.
Molecular consequence: missense variant.
Genome position (GRCh38, 1-based): chr20:62,817,086, G>A. VCF-style: chr20-62817086-G-A. GRCh37 (hg19) VCF-style: chr20-61448438-G-A.
Other names: c.22G>A (NM_001853.3); short protein forms A8T.
Identifiers: ClinVar variation 1915027 (VCV001915027.6), dbSNP rs1226702696, ClinGen allele CA409586746.

ClinVar aggregate classification (germline): Uncertain significance. Review status: criteria provided, multiple submitters, no conflicts (2 of 4 stars). 2 submissions from 2 submitters: Uncertain significance (2). Last evaluated 2026-01-17.

Conditions:
COL9A3-related disorder. Also called: COL9A3-related condition.

gnomAD v4.1: 14 of 1,392,446 alleles (0.001%); highest among the groups gnomAD compares: African/African-American, 0.003%; no homozygotes.

Submissions (2):

Labcorp Genetics (formerly Invitae), Labcorp
Classification: Uncertain significance. Last evaluated: 2026-01-17. Review status: criteria provided, single submitter. Criteria: Invitae Variant Classification Sherloc (09022015). Collection method: clinical testing. Allele origin: germline.
Comment: This sequence change replaces alanine, which is neutral and non-polar, with threonine, which is neutral and polar, at codon 8 of the COL9A3 protein (p.Ala8Thr). The frequency data for this variant in the population databases is considered unreliable, as metrics indicate poor data quality at this position in the gnomAD database. This variant has not been reported in the literature in individuals affected with COL9A3-related conditions. ClinVar contains an entry for this variant (Variation ID: 1915027). Invitae Evidence Modeling of protein sequence and biophysical properties (such as structural, functional, and spatial information, amino acid conservation, physicochemical variation, residue mobility, and thermodynamic stability) indicates that this missense variant is not expected to disrupt COL9A3 protein function with a negative predictive value of 95%. In summary, the available evidence is currently insufficient to determine the role of this variant in disease. Therefore, it has been classified as a Variant of Uncertain Significance.

PreventionGenetics, part of Exact Sciences
Classification: Uncertain significance for COL9A3-related condition. Last evaluated: 2025-08-30. Review status: criteria provided, single submitter. Criteria: ACMG Guidelines, 2015. Collection method: clinical testing. Allele origin: germline.
Comment: The COL9A3 c.22G>A variant is predicted to result in the amino acid substitution p.Ala8Thr. To our knowledge, this variant has not been reported in the literature. This variant is reported in 0.031% of alleles in individuals of Ashkenazi Jewish descent in gnomAD. At this time, the clinical significance of this variant is uncertain due to the absence of conclusive functional and genetic evidence.